The following is an entry in ClinVar:

NM_004168.4(SDHA):c.1192_1193delinsAT (p.Glu398Met)

Gene: SDHA (succinate dehydrogenase complex flavoprotein subunit A; plus strand). Cytogenetic location: 5p15.33.
Variant type: Indel.
Coding change: c.1192_1193delinsAT on transcript NM_004168.4 (MANE Select); coding-DNA positions 1192 to 1193, GA replaced by AT.
Protein change: p.Glu398Met; replaces glutamic acid 398 with methionine.
Molecular consequence: missense variant.
Genome position (GRCh38, 1-based): chr5:235,271-235,272, GA replaced by AT. VCF-style: chr5-235271-GA-AT. GRCh37 (hg19) VCF-style: chr5-235386-GA-AT.
Other names: c.1192_1193delGAinsAT (NM_004168.2); c.1048_1049delinsAT, p.Glu350Met (NM_001294332.2); c.1192_1193delinsAT, p.Glu398Met (NM_001330758.2); short protein forms E350M, E398M.
Identifiers: ClinVar variation 2951173 (VCV002951173.4), dbSNP rs2477364306, ClinGen allele CA2740091609.

ClinVar aggregate classification (germline): Uncertain significance. Review status: criteria provided, multiple submitters, no conflicts (2 of 4 stars). 2 submissions from 2 submitters: Uncertain significance (2). Last evaluated 2024-01-02.

Conditions:
Mitochondrial complex II deficiency, nuclear type 1. Also called: SUCCINATE CoQ REDUCTASE DEFICIENCY. Identifiers: Orphanet 3208, MedGen C5700310, MONDO:0100294, OMIM 252011.
Pheochromocytoma/paraganglioma syndrome 5. Also called: Paragangliomas 5; SDHA-Related Hereditary Paraganglioma-Pheochromocytoma Syndrome. Identifiers: Orphanet 29072, MedGen C3279992, MONDO:0013602, OMIM 614165.
Hereditary cancer-predisposing syndrome. Also called: Neoplastic Syndromes, Hereditary; Tumor predisposition; Hereditary Cancer Syndrome; Hereditary neoplastic syndrome. Identifiers: Orphanet 140162, MedGen C0027672, MeSH D009386, MONDO:0015356.

Submissions (2):

Ambry Genetics
Classification: Uncertain significance for Hereditary cancer-predisposing syndrome. Last evaluated: 2024-01-02. Review status: criteria provided, single submitter. Criteria: Ambry Variant Classification Scheme 2023. Collection method: clinical testing. Allele origin: germline.
Comment: The c.1192_1193delGAinsAT variant (also known as p.E398M), located in coding exon 9 of the SDHA gene, results from an in-frame deletion of GA and insertion of AT at nucleotide positions 1192 to 1193. This results in the substitution of the glutamic acid residue for a methionine residue at codon 398, an amino acid with dissimilar properties. This amino acid position is highly conserved in available vertebrate species. In addition, this alteration is predicted to be deleterious by in silico analysis (Choi Y et al. PLoS ONE. 2012; 7(10):e46688). Since supporting evidence is limited at this time, the clinical significance of this alteration remains unclear.

Labcorp Genetics (formerly Invitae), Labcorp
Classification: Uncertain significance for Pheochromocytoma/paraganglioma syndrome 5; Mitochondrial complex II deficiency, nuclear type 1. Last evaluated: 2023-08-22. Review status: criteria provided, single submitter. Criteria: Invitae Variant Classification Sherloc (09022015). Collection method: clinical testing. Allele origin: germline.
Comment: An algorithm developed to predict the effect of missense changes on protein structure and function (PolyPhen-2) suggests that this variant is likely to be disruptive. In summary, the available evidence is currently insufficient to determine the role of this variant in disease. Therefore, it has been classified as a Variant of Uncertain Significance. This variant has not been reported in the literature in individuals affected with SDHA-related conditions. Information on the frequency of this variant in the gnomAD database is not available, as this variant may be reported differently in the database. This sequence change replaces glutamic acid, which is acidic and polar, with methionine, which is neutral and non-polar, at codon 398 of the SDHA protein (p.Glu398Met).